The following is an entry in ClinVar:

ClinVar aggregate classification (germline): Uncertain significance. Review status: criteria provided, multiple submitters, no conflicts (2 of 4 stars). 2 submissions from 2 submitters: Uncertain significance (2). Last evaluated 2023-06-20.

Conditions:
Hereditary cancer-predisposing syndrome. Also called: Tumor predisposition; Neoplastic Syndromes, Hereditary; Hereditary Cancer Syndrome; Hereditary neoplastic syndrome. Identifiers: Orphanet 140162, MedGen C0027672, MeSH D009386, MONDO:0015356.
Cardiovascular phenotype. Identifiers: MedGen CN230736.
Neurofibromatosis, type 1 (NF1). Also called: Neurofibromatosis, type I; NEUROFIBROMATOSIS, TYPE I, SOMATIC; Peripheral type neurofibromatosis; VON RECKLINGHAUSEN DISEASE. Identifiers: Orphanet 636, MedGen C0027831, MONDO:0018975, OMIM 162200. Disease mechanism: loss of function.

Submissions (2):

Ambry Genetics
Classification: Uncertain significance for Cardiovascular phenotype; Hereditary cancer-predisposing syndrome. Last evaluated: 2023-06-20. Review status: criteria provided, single submitter. Criteria: Ambry Variant Classification Scheme 2023. Collection method: clinical testing. Allele origin: germline.
Comment: The p.G1842S variant (also known as c.5524G>A), located in coding exon 37 of the NF1 gene, results from a G to A substitution at nucleotide position 5524. The glycine at codon 1842 is replaced by serine, an amino acid with similar properties. This amino acid position is highly conserved in available vertebrate species. In addition, this alteration is predicted to be deleterious by in silico analysis. Since supporting evidence is limited at this time, the clinical significance of this alteration remains unclear.

Labcorp Genetics (formerly Invitae), Labcorp
Classification: Uncertain significance for Neurofibromatosis, type 1. Last evaluated: 2016-07-28. Review status: criteria provided, single submitter. Criteria: Invitae Variant Classification Sherloc (09022015). Collection method: clinical testing. Allele origin: germline.
Comment: Algorithms developed to predict the effect of missense changes on protein structure and function do not agree on the potential impact of this missense change (SIFT: "Tolerated"; PolyPhen-2: "Probably Damaging"; Align-GVGD: "Class C0"). Algorithms developed to predict the effect of sequence changes on mRNA splicing suggest that this variant may alter mRNA splicing, but this prediction has not been confirmed by published transcriptional studies. In summary, this variant is a novel missense change with uncertain impact on protein function and mRNA splicing. It has been classified as a Variant of Uncertain Significance. This sequence change replaces glycine with serine at codon 1842 of the NF1 protein (p.Gly1842Ser). The glycine residue is moderately conserved and there is a small physicochemical difference between glycine and serine. This variant is not present in population databases (ExAC no frequency) and has not been reported in the literature in individuals with a NF1-related disease.

NM_001042492.3(NF1):c.5587G>A (p.Gly1863Ser)

Gene: NF1 (neurofibromin 1; plus strand). Cytogenetic location: 17q11.2.
Variant type: single nucleotide variant.
Coding change: c.5587G>A on transcript NM_001042492.3 (MANE Select); coding-DNA position 5587, G replaced by A.
Protein change: p.Gly1863Ser; replaces glycine 1863 with serine.
Molecular consequence: missense variant.
Genome position (GRCh38, 1-based): chr17:31,327,817, G>A. VCF-style: chr17-31327817-G-A. GRCh37 (hg19) VCF-style: chr17-29654835-G-A.
Other names: c.5524G>A, p.Gly1842Ser (NM_000267.4); short protein forms G1842S, G1863S.
Identifiers: ClinVar variation 404543 (VCV000404543.6), dbSNP rs1060500332, ClinGen allele CA16615264.